The following is an entry in ClinVar:

NM_000416.3(IFNGR1):c.549C>G (p.Ile183Met)

Gene: IFNGR1 (interferon gamma receptor 1; minus strand). Cytogenetic location: 6q23.3.
Variant type: single nucleotide variant.
Coding change: c.549C>G on transcript NM_000416.3 (MANE Select); coding-DNA position 549, C replaced by G.
Protein change: p.Ile183Met; replaces isoleucine 183 with methionine.
Molecular consequence: missense variant.
Genome position (GRCh38, 1-based): chr6:137,203,683, G>C on the plus strand (C>G on the coding strand, the complement: IFNGR1 is on the minus strand). VCF-style: chr6-137203683-G-C. GRCh37 (hg19) VCF-style: chr6-137524820-G-C.
Other names: c.519C>G, p.Ile173Met (NM_001363526.1); c.426C>G, p.Ile142Met (NM_001363527.1); short protein forms I173M, I183M, I142M.
Identifiers: ClinVar variation 2972952 (VCV002972952.3), dbSNP rs377718783, ClinGen allele CA4018925.

ClinVar aggregate classification (germline): Uncertain significance (1 of 4 stars; one submission).

Conditions:
Disseminated atypical mycobacterial infection. Identifiers: MedGen C0694566.

Allele frequency attached by ClinVar (database versions not stated): ESP Exome Variant Server 0.00008; ExAC 0.00003; gnomAD 0.00003.
gnomAD v4.1: 11 of 1,609,558 alleles (0.00068%); highest among the groups gnomAD compares: Admixed American, 0.01%; no homozygotes.

Submission:

Labcorp Genetics (formerly Invitae), Labcorp
Classification: Uncertain significance for Disseminated atypical mycobacterial infection. Last evaluated: 2025-05-03. Review status: criteria provided, single submitter. Criteria: Invitae Variant Classification Sherloc (09022015). Collection method: clinical testing. Allele origin: germline.
Comment: This sequence change replaces isoleucine, which is neutral and non-polar, with methionine, which is neutral and non-polar, at codon 183 of the IFNGR1 protein (p.Ile183Met). This variant is present in population databases (rs377718783, gnomAD 0.01%). This variant has not been reported in the literature in individuals affected with IFNGR1-related conditions. ClinVar contains an entry for this variant (Variation ID: 2972952). An algorithm developed to predict the effect of missense changes on protein structure and function (PolyPhen-2) suggests that this variant is likely to be tolerated. In summary, the available evidence is currently insufficient to determine the role of this variant in disease. Therefore, it has been classified as a Variant of Uncertain Significance.